The following is an entry in ClinVar:

ClinVar aggregate classification (germline): Uncertain significance. Review status: criteria provided, multiple submitters, no conflicts (2 of 4 stars). 2 submissions from 2 submitters: Uncertain significance (2). Last evaluated 2023-11-27.

Conditions:
SYN1-related neurodevelopmental disorder.
Epilepsy, X-linked 1, with variable learning disabilities and behavior disorders. Also called: X-linked epilepsy-learning disabilities-behavior disorders syndrome. Identifiers: Orphanet 85294, MedGen C5774177, MONDO:0010339, OMIM 300491.
Inborn genetic diseases. Identifiers: MedGen C0950123, MeSH D030342.

Submissions (2):

Labcorp Genetics (formerly Invitae), Labcorp
Classification: Uncertain significance for Epilepsy, X-linked 1, with variable learning disabilities and behavior disorders. Last evaluated: 2023-11-27. Review status: criteria provided, single submitter. Criteria: Invitae Variant Classification Sherloc (09022015). Collection method: clinical testing. Allele origin: germline.
Comment: This sequence change replaces proline, which is neutral and non-polar, with leucine, which is neutral and non-polar, at codon 487 of the SYN1 protein (p.Pro487Leu). This variant is not present in population databases (gnomAD no frequency). This variant has not been reported in the literature in individuals affected with SYN1-related conditions. ClinVar contains an entry for this variant (Variation ID: 1446458). Experimental studies and prediction algorithms are not available or were not evaluated, and the functional significance of this variant is currently unknown. In summary, the available evidence is currently insufficient to determine the role of this variant in disease. Therefore, it has been classified as a Variant of Uncertain Significance.

Ambry Genetics
Classification: Uncertain significance for Inborn genetic diseases. Last evaluated: 2023-01-18. Review status: criteria provided, single submitter. Criteria: Ambry Variant Classification Scheme 2023. Collection method: clinical testing. Allele origin: germline.
Comment: The c.1460C>T (p.P487L) alteration is located in exon 12 (coding exon 12) of the SYN1 gene. This alteration results from a C to T substitution at nucleotide position 1460, causing the proline (P) at amino acid position 487 to be replaced by a leucine (L). This variant was not reported in population-based cohorts in the Genome Aggregation Database (gnomAD). This amino acid position is highly conserved in available vertebrate species. This alteration is predicted to be tolerated by in silico analysis. Based on insufficient or conflicting evidence, the clinical significance of this alteration remains unclear.

NM_006950.3(SYN1):c.1460C>T (p.Pro487Leu)

Gene: SYN1 (synapsin I; minus strand). Cytogenetic location: Xp11.3.
Variant type: single nucleotide variant.
Coding change: c.1460C>T on transcript NM_006950.3 (MANE Select); coding-DNA position 1460, C replaced by T.
Protein change: p.Pro487Leu; replaces proline 487 with leucine.
Molecular consequence: missense variant.
Genome position (GRCh38, 1-based): chrX:47,574,524, G>A on the plus strand (C>T on the coding strand, the complement: SYN1 is on the minus strand). VCF-style: chrX-47574524-G-A. GRCh37 (hg19) VCF-style: chrX-47433923-G-A.
Other names: c.1460C>T, p.Pro487Leu (NM_133499.2); short protein forms P487L.
Identifiers: ClinVar variation 1446458 (VCV001446458.8), dbSNP rs2147912337, ClinGen allele CA412823874.